The following is an entry in ClinVar:

NM_001195263.2(PDZD7):c.251T>C (p.Ile84Thr)

Gene: PDZD7 (PDZ domain containing 7; minus strand). Cytogenetic location: 10q24.31.
Variant type: single nucleotide variant.
Coding change: c.251T>C on transcript NM_001195263.2 (MANE Select); coding-DNA position 251, T replaced by C.
Protein change: p.Ile84Thr; replaces isoleucine 84 with threonine.
Molecular consequence: missense variant.
Genome position (GRCh38, 1-based): chr10:101,024,044, A>G on the plus strand (T>C on the coding strand, the complement: PDZD7 is on the minus strand). VCF-style: chr10-101024044-A-G. GRCh37 (hg19) VCF-style: chr10-102783801-A-G.
Other names: c.251T>C, p.Ile84Thr (NM_001351044.2, NM_024895.5); short protein forms I84T.
Identifiers: ClinVar variation 992657 (VCV000992657.3), dbSNP rs773193491, ClinGen allele CA378231076.
Genomic context (GRCh38, chr10:101,024,044, plus strand): 5'-CCCCCGCGCACGCTGAAGCCCAGCCTCCCTGCTGGACTCTTCTCCACCCGGACTGAATGG[A>G]TGATGTCACTTTCATCACTGTTGGCTGTGAGGACAGGGATTTAGGGATGCCCCCATGTTC-3'
Protein context (NP_001182192.1, residues 74-94): IEANSDESDI[Ile84Thr]HSVRVEKSPA

ClinVar aggregate classification (germline): Pathogenic/Likely pathogenic. Review status: criteria provided, multiple submitters, no conflicts (2 of 4 stars). 2 submissions from 2 submitters: Pathogenic (1); Likely pathogenic (1). Last evaluated 2022-02-09.

Conditions:
PDZD7-related disorder. Also called: PDZD7-related condition; PDZD7-related disorders.
Hearing loss, autosomal recessive 57. Also called: DEAFNESS, AUTOSOMAL RECESSIVE 57. Identifiers: MedGen C4693893, MONDO:0033201, OMIM 618003.

Allele frequency attached by ClinVar (database versions not stated): gnomAD exomes below 0.00001.

Submissions (2):

Blueprint Genetics
Classification: Likely pathogenic for PDZD7-related disorders. Last evaluated: 2022-02-09. Review status: criteria provided, single submitter. Criteria: ACMG Guidelines, 2015. Collection method: clinical testing. Allele origin: germline. Affected: yes. Observed: 1 variant allele.

Genetics Laboratory, Department of Biology, Semnan University
Classification: Pathogenic for Hearing loss, autosomal recessive 57. Last evaluated: 2020-07-08. Review status: criteria provided, single submitter. Criteria: ACMG Guidelines, 2015. Collection method: case-control. Allele origin: inherited. Inheritance: Autosomal recessive inheritance. Affected: yes. Observed: 1 homozygote.
Comment: Targeted exome sequencing identified a novel homozygous missense mutation c.251T>C (p.I84T) in exon 3 of PDZD7 gene. In addition, segregation and phenotype-genotype correlation analysis as well as in-silico evaluations confirmed the autosomal recessive inheritance pattern and disease-causing nature of mutation found. In overall, our finding could expand the pathogenic mutations spectrum and strengthens the clinical importance of the PDZD7 gene in ARNSHL patients.